The following is an entry in ClinVar:

NM_001100.4(ACTA1):c.622C>A (p.Arg208Ser)

Gene: ACTA1 (actin alpha 1, skeletal muscle; minus strand). Cytogenetic location: 1q42.13.
Variant type: single nucleotide variant.
Coding change: c.622C>A on transcript NM_001100.4 (MANE Select); coding-DNA position 622, C replaced by A.
Protein change: p.Arg208Ser; replaces arginine 208 with serine.
Molecular consequence: missense variant.
Genome position (GRCh38, 1-based): chr1:229,432,180, G>T on the plus strand (C>A on the coding strand, the complement: ACTA1 is on the minus strand). VCF-style: chr1-229432180-G-T. GRCh37 (hg19) VCF-style: chr1-229567927-G-T.
Other names: short protein forms R208S.
Identifiers: ClinVar variation 1351681 (VCV001351681.6), dbSNP rs148514635, ClinGen allele CA1442818.

ClinVar aggregate classification (germline): Uncertain significance (1 of 4 stars; one submission).

Conditions:
Actin accumulation myopathy (CMYO2A). Also called: CONGENITAL MYOPATHY 2A, TYPICAL, AUTOSOMAL DOMINANT; Myopathy, actin, congenital, with cores; Nemaline myopathy 3, with intranuclear rods; Nemaline myopathy type 3; Myopathy, actin, congenital, with excess of thin myofilaments. Identifiers: Orphanet 98904, MedGen C3711389, MONDO:0008070, OMIM 161800.

Allele frequency attached by ClinVar (database versions not stated): ExAC 0.00001; gnomAD exomes 0.00001; ESP Exome Variant Server 0.00008.
gnomAD v4.1: 22 of 1,613,438 alleles (0.0014%); highest among the groups gnomAD compares: Non-Finnish European, 0.0015%; no homozygotes.

Submission:

Labcorp Genetics (formerly Invitae), Labcorp
Classification: Uncertain significance for Actin accumulation myopathy. Last evaluated: 2022-02-07. Review status: criteria provided, single submitter. Criteria: Invitae Variant Classification Sherloc (09022015). Collection method: clinical testing. Allele origin: germline.
Comment: This sequence change replaces arginine, which is basic and polar, with serine, which is neutral and polar, at codon 208 of the ACTA1 protein (p.Arg208Ser). This variant is present in population databases (rs148514635, gnomAD 0.01%). This variant has not been reported in the literature in individuals affected with ACTA1-related conditions. Advanced modeling of protein sequence and biophysical properties (such as structural, functional, and spatial information, amino acid conservation, physicochemical variation, residue mobility, and thermodynamic stability) performed at Invitae indicates that this missense variant is expected to disrupt ACTA1 protein function. In summary, the available evidence is currently insufficient to determine the role of this variant in disease. Therefore, it has been classified as a Variant of Uncertain Significance.